The following is an entry in ClinVar:

ClinVar aggregate classification (germline): Benign/Likely benign. Review status: criteria provided, multiple submitters, no conflicts (2 of 4 stars). 4 submissions from 4 submitters: Benign (1); Likely benign (2). 1 of the submissions does not count toward it. Last evaluated 2024-09-01.

Conditions:
EPB41L1-related disorder. Also called: EPB41L1-related condition.

Allele frequency attached by ClinVar (database versions not stated): 1000 Genomes Project 0.00020; 1000 Genomes Project 30x 0.00094; ESP Exome Variant Server 0.00192; TOPMed 0.00226; ExAC 0.00270; gnomAD 0.00276 and 0.00293; gnomAD exomes 0.00284 and 0.00393.
gnomAD v4.1: 6,057 of 1,613,530 alleles (0.38%); highest among the groups gnomAD compares: Non-Finnish European, 0.43%; 25 homozygotes.

Submissions (11):

CeGaT Center for Human Genetics Tuebingen
Classification: Likely benign. Last evaluated: 2024-09-01. Review status: criteria provided, single submitter. Criteria: CeGaT Center For Human Genetics Tuebingen Variant Classification Criteria Version 2. Collection method: clinical testing. Allele origin: germline. Affected: yes. Observed: 2 variant alleles.
Comment: EPB41L1: BS2

Labcorp Genetics (formerly Invitae), Labcorp
Classification: Likely benign. Last evaluated: 2019-12-31. Review status: criteria provided, single submitter. Criteria: Invitae Variant Classification Sherloc (09022015). Collection method: clinical testing. Allele origin: germline.

Genetic Services Laboratory, University of Chicago
Classification: Benign. Last evaluated: 2015-10-20. Review status: criteria provided, single submitter. Criteria: ACMG Guidelines, 2015. Collection method: clinical testing. Allele origin: germline. Affected: no.

PreventionGenetics, part of Exact Sciences
Classification: Benign for EPB41L1-related condition. Last evaluated: 2020-02-27. Review status: no assertion criteria provided. Collection method: clinical testing. Allele origin: germline. Not counted in ClinVar's aggregate classification.
Comment: This variant is classified as benign based on ACMG/AMP sequence variant interpretation guidelines (Richards et al. 2015 PMID: 25741868, with internal and published modifications).

Dr. Peter K. Rogan Lab, Western University
No classification provided (evidence only). Condition: Malignant tumor of urinary bladder. Review status: no classification provided. Collection method: in vitro. Allele origin: not applicable. Functional consequence: retained intron. Not counted in ClinVar's aggregate classification.

Dr. Peter K. Rogan Lab, Western University
No classification provided (evidence only). Condition: Clear cell carcinoma of kidney. Review status: no classification provided. Collection method: in vitro. Allele origin: not applicable. Functional consequence: retained intron. Not counted in ClinVar's aggregate classification.

Dr. Peter K. Rogan Lab, Western University
No classification provided (evidence only). Condition: Lung cancer. Review status: no classification provided. Collection method: in vitro. Allele origin: not applicable. Functional consequence: retained intron. Not counted in ClinVar's aggregate classification.

Dr. Peter K. Rogan Lab, Western University
No classification provided (evidence only). Condition: Nonpapillary renal cell carcinoma. Review status: no classification provided. Collection method: in vitro. Allele origin: not applicable. Functional consequence: retained intron. Not counted in ClinVar's aggregate classification.

Dr. Peter K. Rogan Lab, Western University
No classification provided (evidence only). Condition: Ovarian serous cystadenocarcinoma. Review status: no classification provided. Collection method: in vitro. Allele origin: not applicable. Functional consequence: retained intron. Not counted in ClinVar's aggregate classification.

Dr. Peter K. Rogan Lab, Western University
No classification provided (evidence only). Condition: Gastric cancer. Review status: no classification provided. Collection method: in vitro. Allele origin: not applicable. Functional consequence: retained intron. Not counted in ClinVar's aggregate classification.

Dr. Peter K. Rogan Lab, Western University
No classification provided (evidence only). Condition: Malignant tumor of esophagus. Review status: no classification provided. Collection method: in vitro. Allele origin: not applicable. Functional consequence: retained intron. Not counted in ClinVar's aggregate classification.

NM_012156.2(EPB41L1):c.1643A>G (p.Lys548Arg)

Gene: EPB41L1 (erythrocyte membrane protein band 4.1 like 1; plus strand). Cytogenetic location: 20q11.23.
Variant type: single nucleotide variant.
Coding change: c.1643A>G on transcript NM_012156.2 (MANE Select); coding-DNA position 1643, A replaced by G.
Protein change: p.Lys548Arg; replaces lysine 548 with arginine.
Molecular consequence: missense variant.
Genome position (GRCh38, 1-based): chr20:36,198,016, A>G. VCF-style: chr20-36198016-A-G. GRCh37 (hg19) VCF-style: chr20-34785938-A-G.
Other names: NC_000020.10:g.34785938A>G; c.1643A>G, p.Lys548Arg (NM_001258329.1); c.1514A>G, p.Lys505Arg (NM_001258330.1); c.1421A>G, p.Lys474Arg (NM_001258331.2, NM_177996.2); short protein forms K474R, K548R, K505R.
Identifiers: ClinVar variation 210945 (VCV000210945.36), dbSNP rs144426436, ClinGen allele CA205358.